The following is an entry in ClinVar:

NM_004628.5(XPC):c.406G>A (p.Val136Ile)

Gene: XPC (XPC complex subunit, DNA damage recognition and repair factor; minus strand). Cytogenetic location: 3p25.1.
Variant type: single nucleotide variant.
Coding change: c.406G>A on transcript NM_004628.5 (MANE Select); coding-DNA position 406, G replaced by A.
Protein change: p.Val136Ile; replaces valine 136 with isoleucine.
Molecular consequence: missense variant. On other transcripts: 5 prime UTR variant (1), non-coding transcript variant (2).
Genome position (GRCh38, 1-based): chr3:14,170,444, C>T on the plus strand (G>A on the coding strand, the complement: XPC is on the minus strand). VCF-style: chr3-14170444-C-T. GRCh37 (hg19) VCF-style: chr3-14211944-C-T.
Other names: c.-50G>A (NM_001354726.2); c.406G>A, p.Val136Ile (NM_001354727.2, NM_001354730.2); c.388G>A, p.Val130Ile (NM_001354729.2); short protein forms V130I, V136I.
Identifiers: ClinVar variation 5004503 (VCV005004503.1).

ClinVar aggregate classification (germline): Uncertain significance (1 of 4 stars; one submission).

Conditions:
Xeroderma pigmentosum, group C (XPC). Also called: XERODERMA PIGMENTOSUM III; XP, GROUP C; Xeroderma pigmentosum, complementation group C; XPC-Related Xeroderma Pigmentosum. Identifiers: Orphanet 910, MedGen C2752147, MONDO:0010211, OMIM 278720.

gnomAD v4.1: 1 of 1,613,662 alleles (0.000062%); highest among the groups gnomAD compares: Non-Finnish European, 0.000085%; no homozygotes.

Submission:

Myriad Genetics, Inc.
Classification: Uncertain significance for Xeroderma pigmentosum, group C. Last evaluated: 2026-03-02. Review status: criteria provided, single submitter. Criteria: Myriad Autosomal Dominant, Autosomal Recessive and X-Linked Classification Criteria (2023). Collection method: clinical testing. Allele origin: unknown.
Comment: NM_004628.4(XPC):c.406G>A(V136I) is a missense variant classified as a variant of uncertain significance in the context of xeroderma pigmentosum group C. V136I has not been observed in cases with relevant disease. Relevant functional assessments of this variant are not available in the literature. V136I has not been observed in referenced population frequency databases. In summary, there is insufficient evidence to classify NM_004628.4(XPC):c.406G>A(V136I) as pathogenic or benign. Please note: this variant was assessed in the context of healthy population screening.